The following is an entry in ClinVar:

ClinVar aggregate classification (germline): Uncertain significance. Review status: criteria provided, multiple submitters, no conflicts (2 of 4 stars). 2 submissions from 2 submitters: Uncertain significance (2). Last evaluated 2024-03-12.

Conditions:
Neuronopathy, distal hereditary motor, type 7A. Also called: SPINAL MUSCULAR ATROPHY, DISTAL, WITH VOCAL CORD PARALYSIS; HARPER-YOUNG MYOPATHY; HMN VIIA; Neuronopathy, distal hereditary motor, type viia; NEURONOPATHY, DISTAL HEREDITARY MOTOR, HARDING TYPE VIIA; NEUROPATHY, DISTAL HEREDITARY MOTOR, HARDING TYPE VIIA. Identifiers: Orphanet 139589, MedGen C1834703, MONDO:0008024, OMIM 158580.
Congenital myasthenic syndrome 20. Also called: Myasthenic syndrome, congenital, 20, presynaptic. Identifiers: MedGen C4310694, MONDO:0014939, OMIM 617143.
Inborn genetic diseases. Identifiers: MedGen C0950123, MeSH D030342.

Allele frequency attached by ClinVar (database versions not stated): gnomAD exomes below 0.00001 and 0.00001; ExAC 0.00001; gnomAD 0.00001; TOPMed 0.00001.
gnomAD v4.1: 7 of 1,611,482 alleles (0.00043%); highest among the groups gnomAD compares: Admixed American, 0.0033%; no homozygotes.

Submissions (2):

Labcorp Genetics (formerly Invitae), Labcorp
Classification: Uncertain significance for Neuronopathy, distal hereditary motor, type 7A; Congenital myasthenic syndrome 20. Last evaluated: 2024-03-12. Review status: criteria provided, single submitter. Criteria: Invitae Variant Classification Sherloc (09022015). Collection method: clinical testing. Allele origin: germline.
Comment: This sequence change replaces serine, which is neutral and polar, with leucine, which is neutral and non-polar, at codon 373 of the SLC5A7 protein (p.Ser373Leu). This variant is present in population databases (rs776949424, gnomAD 0.003%). This variant has not been reported in the literature in individuals affected with SLC5A7-related conditions. ClinVar contains an entry for this variant (Variation ID: 1003108). Advanced modeling of protein sequence and biophysical properties (such as structural, functional, and spatial information, amino acid conservation, physicochemical variation, residue mobility, and thermodynamic stability) has been performed at Invitae for this missense variant, however the output from this modeling did not meet the statistical confidence thresholds required to predict the impact of this variant on SLC5A7 protein function. In summary, the available evidence is currently insufficient to determine the role of this variant in disease. Therefore, it has been classified as a Variant of Uncertain Significance.

Ambry Genetics
Classification: Uncertain significance for Inborn genetic diseases. Last evaluated: 2022-05-26. Review status: criteria provided, single submitter. Criteria: Ambry Variant Classification Scheme 2023. Collection method: clinical testing. Allele origin: germline.

NM_021815.5(SLC5A7):c.1118C>T (p.Ser373Leu)

Gene: SLC5A7 (solute carrier family 5 member 7; plus strand). Cytogenetic location: 2q12.3.
Variant type: single nucleotide variant.
Coding change: c.1118C>T on transcript NM_021815.5 (MANE Select); coding-DNA position 1118, C replaced by T.
Protein change: p.Ser373Leu; replaces serine 373 with leucine.
Molecular consequence: missense variant.
Genome position (GRCh38, 1-based): chr2:108,010,236, C>T. VCF-style: chr2-108010236-C-T. GRCh37 (hg19) VCF-style: chr2-108626692-C-T.
Other names: c.1118C>T, p.Ser373Leu (NM_001305005.3); c.803C>T, p.Ser268Leu (NM_001305006.3); c.377C>T, p.Ser126Leu (NM_001305007.3); c.1118C>T (NM_021815.2); short protein forms S126L, S268L, S373L.
Identifiers: ClinVar variation 1003108 (VCV001003108.7), dbSNP rs776949424, ClinGen allele CA1819134.
Genomic context (GRCh38, chr2:108,010,236, plus strand): 5'-GCCTAAATGAGCCAAGACACTGTGCAAAAAGCTGACACTGTGGCAATTTCTTACAGGCTT[C>T]GGACAAAGAAATCGTTTGGGTTATGCGAATCACAGTGTTTGTGTTTGGAGCATCTGCAAC-3'
Protein context (NP_068587.1, residues 363-383): IYQLSFRQNA[Ser373Leu]DKEIVWVMRI